The following is an entry in ClinVar:

NM_000969.5(RPL5):c.242A>G (p.His81Arg)

Genes: DIPK1A (divergent protein kinase domain 1A; minus strand), RPL5 (ribosomal protein L5; plus strand). Cytogenetic location: 1p22.1.
Variant type: single nucleotide variant.
Coding change: c.242A>G on transcript NM_000969.5 (MANE Select); coding-DNA position 242, A replaced by G.
Protein change: p.His81Arg; replaces histidine 81 with arginine.
Molecular consequence: missense variant. On other transcripts: non-coding transcript variant (1), intron variant (1).
Genome position (GRCh38, 1-based): chr1:92,834,831, A>G. VCF-style: chr1-92834831-A-G. GRCh37 (hg19) VCF-style: chr1-93300388-A-G.
Other names: c.475-1797T>C (NM_001252273.2); short protein forms H81R.
Identifiers: ClinVar variation 1302199 (VCV001302199.5), dbSNP rs1199764996, ClinGen allele CA341241552.
Genomic context (GRCh38, chr1:92,834,831, plus strand): 5'-TACTATAGATTGCTTATGCCCGTATAGAGGGGGATATGATAGTCTGCGCAGCGTATGCAC[A>G]CGAACTGCCAAAATATGGTGTGAAGGTTGGCCTGACAAATTATGCTGCAGCATATTGTAC-3'
Protein context (NP_000960.2, residues 71-91): GDMIVCAAYA[His81Arg]ELPKYGVKVG

ClinVar aggregate classification (germline): Uncertain significance (1 of 4 stars; one submission).

Allele frequency attached by ClinVar (database versions not stated): TOPMed below 0.00001; gnomAD 0.00001.
gnomAD v4.1: 1 of 1,611,380 alleles (0.000062%); highest among the groups gnomAD compares: Non-Finnish European, 0.000085%; no homozygotes.

Submission:

GeneDx
Classification: Uncertain significance. Last evaluated: 2024-12-18. Review status: criteria provided, single submitter. Criteria: GeneDx Variant Classification Process June 2021. Collection method: clinical testing. Allele origin: germline. Affected: yes.
Comment: Has not been previously published as pathogenic or benign to our knowledge; In silico analysis supports that this missense variant has a deleterious effect on protein structure/function; Not observed at significant frequency in large population cohorts (gnomAD)